The following is an entry in ClinVar:

ClinVar aggregate classification (germline): Uncertain significance (1 of 4 stars; one submission).

Conditions:
Hyperinsulinism-hyperammonemia syndrome (HHF6). Identifiers: Orphanet 35878, MedGen C1847555, MONDO:0011717, OMIM 606762.

Submission:

Labcorp Genetics (formerly Invitae), Labcorp
Classification: Uncertain significance for Hyperinsulinism-hyperammonemia syndrome. Last evaluated: 2024-05-01. Review status: criteria provided, single submitter. Criteria: Invitae Variant Classification Sherloc (09022015). Collection method: clinical testing. Allele origin: germline.
Comment: This sequence change replaces alanine, which is neutral and non-polar, with threonine, which is neutral and polar, at codon 17 of the GLUD1 protein (p.Ala17Thr). This variant is not present in population databases (gnomAD no frequency). This variant has not been reported in the literature in individuals affected with GLUD1-related conditions. Experimental studies and prediction algorithms are not available or were not evaluated, and the functional significance of this variant is currently unknown. In summary, the available evidence is currently insufficient to determine the role of this variant in disease. Therefore, it has been classified as a Variant of Uncertain Significance.

NM_005271.5(GLUD1):c.49G>A (p.Ala17Thr)

Genes: GLUD1 (glutamate dehydrogenase 1; minus strand), SHLD2 (shieldin complex subunit 2; plus strand), LOC130004255 (ATAC-STARR-seq lymphoblastoid silent region 2577; plus strand). Cytogenetic location: 10q23.2.
Variant type: single nucleotide variant.
Coding change: c.49G>A on transcript NM_005271.5 (MANE Select); coding-DNA position 49, G replaced by A.
Protein change: p.Ala17Thr; replaces alanine 17 with threonine.
Molecular consequence: missense variant. On other transcripts: 5 prime UTR variant (3).
Genome position (GRCh38, 1-based): chr10:87,094,721, C>T on the plus strand (G>A on the coding strand, the complement: GLUD1 is on the minus strand). VCF-style: chr10-87094721-C-T. GRCh37 (hg19) VCF-style: chr10-88854478-C-T.
Other names: c.-680G>A (NM_001318904.2); c.-806G>A (NM_001318905.2); c.-513G>A (NM_001318906.2); short protein forms A17T.
Identifiers: ClinVar variation 3651703 (VCV003651703.2).